The following is an entry in ClinVar:

NM_015355.4(SUZ12):c.236T>A (p.Val79Asp)

Gene: SUZ12 (SUZ12 polycomb repressive complex 2 subunit; plus strand). Cytogenetic location: 17q11.2.
Variant type: single nucleotide variant.
Coding change: c.236T>A on transcript NM_015355.4 (MANE Select); coding-DNA position 236, T replaced by A.
Protein change: p.Val79Asp; replaces valine 79 with aspartic acid.
Molecular consequence: missense variant.
Genome position (GRCh38, 1-based): chr17:31,937,482, T>A. VCF-style: chr17-31937482-T-A. GRCh37 (hg19) VCF-style: chr17-30264501-T-A.
Other names: c.236T>A, p.Val79Asp (NM_001321207.2); short protein forms V79D.
Identifiers: ClinVar variation 4083103 (VCV004083103.1).

ClinVar aggregate classification (germline): Uncertain significance (1 of 4 stars; one submission).

Submission:

GeneDx
Classification: Uncertain significance. Last evaluated: 2025-03-10. Review status: criteria provided, single submitter. Criteria: GeneDx Variant Classification Process June 2021. Collection method: clinical testing. Allele origin: germline. Affected: yes.
Comment: Not observed at significant frequency in large population cohorts (gnomAD); In silico analysis supports that this missense variant has a deleterious effect on protein structure/function; Has not been previously published as pathogenic or benign to our knowledge